The following is an entry in ClinVar:

NM_001148.6(ANK2):c.2826G>T (p.Arg942Ser)

Gene: ANK2 (ankyrin 2; plus strand). Cytogenetic location: 4q26.
Variant type: single nucleotide variant.
Coding change: c.2826G>T on transcript NM_001148.6 (MANE Select); coding-DNA position 2826, G replaced by T.
Protein change: p.Arg942Ser; replaces arginine 942 with serine.
Molecular consequence: missense variant.
Genome position (GRCh38, 1-based): chr4:113,318,546, G>T. VCF-style: chr4-113318546-G-T. GRCh37 (hg19) VCF-style: chr4-114239702-G-T.
Other names: p.R942S:AGG>AGT; c.2763G>T, p.Arg921Ser (NM_001127493.3, NM_001354243.2, NM_001354255.2 and 3 more transcripts); c.2838G>T, p.Arg946Ser (NM_001354225.2); c.2826G>T, p.Arg942Ser (NM_001354228.2, NM_001354232.2, NM_001354258.2 and 1 more transcripts); c.2868G>T, p.Arg956Ser (NM_001354230.2, NM_001354231.2, NM_001354237.2 and 1 more transcripts); c.2823G>T, p.Arg941Ser (NM_001354235.2, NM_001354236.2, NM_001354246.2 and 1 more transcripts); c.2760G>T, p.Arg920Ser (NM_001354239.2, NM_001354244.2, NM_001354252.2 and 3 more transcripts); c.2871G>T, p.Arg957Ser (NM_001354240.2, NM_001354241.2, NM_001386144.1); and 18 more; short protein forms R921S, R942S, R151S, R871S, R888S, R913S, R925S, R946S.
Identifiers: ClinVar variation 190557 (VCV000190557.9), dbSNP rs771898745, ClinGen allele CA300845.
Genomic context (GRCh38, chr4:113,318,546, plus strand): 5'-GTTTATTCAATCCAGTGTTCTTTGTGTTTAGGTGTCAACTCTAGCCAAGGAGGCAGAAAG[G>T]AATTCTTATCGCCTAAGCTGGGGCACTGAGAACTTAGACAACGTGGCTCTTTCTTCTAGT-3'
Protein context (NP_001139.3, residues 932-952): QVSTLAKEAE[Arg942Ser]NSYRLSWGTE

ClinVar aggregate classification (germline): Uncertain significance. Review status: criteria provided, multiple submitters, no conflicts (2 of 4 stars). 3 submissions from 3 submitters: Uncertain significance (3). Last evaluated 2024-08-21.

Conditions:
Long QT syndrome (LQTS). Identifiers: MedGen C0023976, MeSH D008133, MONDO:0002442. Disease mechanism: loss of function. Inheritance: Various modes of inheritance.
Cardiovascular phenotype. Identifiers: MedGen CN230736.

Allele frequency attached by ClinVar (database versions not stated): ExAC 0.00001.
gnomAD v4.1: 4 of 1,613,828 alleles (0.00025%); highest among the groups gnomAD compares: African/African-American, 0.0053%; no homozygotes.

Submissions (3):

Ambry Genetics
Classification: Uncertain significance for Cardiovascular phenotype. Last evaluated: 2024-08-21. Review status: criteria provided, single submitter. Criteria: Ambry Variant Classification Scheme 2023. Collection method: clinical testing. Allele origin: germline.
Comment: The p.R942S variant (also known as c.2826G>T), located in coding exon 26 of the ANK2 gene, results from a G to T substitution at nucleotide position 2826. The arginine at codon 942 is replaced by serine, an amino acid with dissimilar properties. This amino acid position is well conserved in available vertebrate species. In addition, the in silico prediction for this alteration is inconclusive. Based on the available evidence, the clinical significance of this variant remains unclear.

GeneDx
Classification: Uncertain significance. Last evaluated: 2024-03-19. Review status: criteria provided, single submitter. Criteria: GeneDx Variant Classification Process June 2021. Collection method: clinical testing. Allele origin: germline. Affected: yes.
Comment: Not observed at significant frequency in large population cohorts (gnomAD); In silico analysis supports that this missense variant does not alter protein structure/function; Has not been previously published as pathogenic or benign to our knowledge

Labcorp Genetics (formerly Invitae), Labcorp
Classification: Uncertain significance for Long QT syndrome. Last evaluated: 2023-07-13. Review status: criteria provided, single submitter. Criteria: Invitae Variant Classification Sherloc (09022015). Collection method: clinical testing. Allele origin: germline.
Comment: This sequence change replaces arginine, which is basic and polar, with serine, which is neutral and polar, at codon 942 of the ANK2 protein (p.Arg942Ser). This variant is present in population databases (rs771898745, gnomAD 0.007%). This variant has not been reported in the literature in individuals affected with ANK2-related conditions. ClinVar contains an entry for this variant (Variation ID: 190557). Advanced modeling of protein sequence and biophysical properties (such as structural, functional, and spatial information, amino acid conservation, physicochemical variation, residue mobility, and thermodynamic stability) performed at Invitae indicates that this missense variant is not expected to disrupt ANK2 protein function. In summary, the available evidence is currently insufficient to determine the role of this variant in disease. Therefore, it has been classified as a Variant of Uncertain Significance.